The following is an entry in ClinVar:

NM_001556.3(IKBKB):c.107A>G (p.Glu36Gly)

Gene: IKBKB (inhibitor of nuclear factor kappa B kinase subunit beta; plus strand). Cytogenetic location: 8p11.21.
Variant type: single nucleotide variant.
Coding change: c.107A>G on transcript NM_001556.3 (MANE Select); coding-DNA position 107, A replaced by G.
Protein change: p.Glu36Gly; replaces glutamic acid 36 with glycine.
Molecular consequence: missense variant. On other transcripts: 5 prime UTR variant (1), non-coding transcript variant (3), intron variant (1).
Genome position (GRCh38, 1-based): chr8:42,288,635, A>G. VCF-style: chr8-42288635-A-G. GRCh37 (hg19) VCF-style: chr8-42146153-A-G.
Other names: c.-86A>G (NM_001190720.3); c.24-1521A>G (NM_001242778.2); short protein forms E36G.
Identifiers: ClinVar variation 4698121 (VCV004698121.1).

ClinVar aggregate classification (germline): Uncertain significance (1 of 4 stars; one submission).

Conditions:
Severe combined immunodeficiency due to IKK2 deficiency. Also called: IMMUNODEFICIENCY 15B; Immunodeficiency 15. Identifiers: Orphanet 397787, MedGen C4747743, MONDO:0014267, OMIM 615592.

gnomAD v4.1: 6 of 1,608,782 alleles (0.00037%); highest among the groups gnomAD compares: African/African-American, 0.008%; no homozygotes.

Submission:

Labcorp Genetics (formerly Invitae), Labcorp
Classification: Uncertain significance for Severe combined immunodeficiency due to IKK2 deficiency. Last evaluated: 2025-10-21. Review status: criteria provided, single submitter. Criteria: Invitae Variant Classification Sherloc (09022015). Collection method: clinical testing. Allele origin: germline.
Comment: This sequence change replaces glutamic acid, which is acidic and polar, with glycine, which is neutral and non-polar, at codon 36 of the IKBKB protein (p.Glu36Gly). The frequency data for this variant in the population databases is considered unreliable, as metrics indicate poor data quality at this position in the gnomAD database. This variant has not been reported in the literature in individuals affected with IKBKB-related conditions. An algorithm developed to predict the effect of missense changes on protein structure and function (PolyPhen-2) suggests that this variant is likely to be tolerated. In summary, the available evidence is currently insufficient to determine the role of this variant in disease. Therefore, it has been classified as a Variant of Uncertain Significance.